The following is an entry in ClinVar:

NM_003922.4(HERC1):c.7071-63_7400del

Gene: HERC1 (HECT and RLD domain containing E3 ubiquitin protein ligase family member 1; minus strand). Cytogenetic location: 15q22.31.
Variant type: Deletion.
Coding change: c.7071-63_7400del on transcript NM_003922.4 (MANE Select); 63 bases into the intron before coding-DNA position 7071 through coding-DNA position 7400, 393 bases deleted.
Molecular consequence: splice acceptor variant.
Genome position (GRCh38, 1-based): chr15:63,674,788-63,675,180, 393 bases deleted. GRCh37 (hg19): chr15:63,966,993-63,967,385.
Identifiers: ClinVar variation 1495664 (VCV001495664.6), dbSNP rs2152979136, ClinGen allele CA2573151040.

ClinVar aggregate classification (germline): Likely pathogenic (1 of 4 stars; one submission).

Submission:

Labcorp Genetics (formerly Invitae), Labcorp
Classification: Likely pathogenic. Last evaluated: 2021-04-24. Review status: criteria provided, single submitter. Criteria: Invitae Variant Classification Sherloc (09022015). Collection method: clinical testing. Allele origin: germline.
Comment: In summary, the currently available evidence indicates that the variant is pathogenic, but additional data are needed to prove that conclusively. Therefore, this variant has been classified as Likely Pathogenic. Algorithms developed to predict the effect of sequence changes on RNA splicing suggest that this variant may disrupt the consensus splice site, but this prediction has not been confirmed by published transcriptional studies. This variant has not been reported in the literature in individuals with HERC1-related conditions. This variant is not present in population databases (ExAC no frequency). This variant results in the deletion of part of exon 38 (c.7071-63_7400del) of the HERC1 gene. It is expected to disrupt RNA splicing. Variants that disrupt the donor or acceptor splice site typically lead to a loss of protein function (PMID: 16199547), and loss-of-function variants in HERC1 are known to be pathogenic (PMID: 26138117, 26153217, 27108999).

Literature cited by the submitters: PubMed 16199547; PubMed 26138117; PubMed 26153217; PubMed 27108999.